The following is an entry in ClinVar:

ClinVar aggregate classification (germline): Uncertain significance (1 of 4 stars; one submission).

Conditions:
Syndromic multisystem autoimmune disease due to ITCH deficiency. Also called: AUTOIMMUNE DISEASE, MULTISYSTEM, WITH FACIAL DYSMORPHISM. Identifiers: Orphanet 228426, MedGen C3150649, MONDO:0013245, OMIM 613385.

Allele frequency attached by ClinVar (database versions not stated): gnomAD exomes below 0.00001.
gnomAD v4.1: 1 of 1,613,816 alleles (0.000062%); highest among the groups gnomAD compares: Non-Finnish European, 0.000085%; no homozygotes.

Submission:

Labcorp Genetics (formerly Invitae), Labcorp
Classification: Uncertain significance for Syndromic multisystem autoimmune disease due to ITCH deficiency. Last evaluated: 2022-06-22. Review status: criteria provided, single submitter. Criteria: Invitae Variant Classification Sherloc (09022015). Collection method: clinical testing. Allele origin: germline.
Comment: This sequence change replaces arginine, which is basic and polar, with glycine, which is neutral and non-polar, at codon 412 of the ITCH protein (p.Arg412Gly). This variant is not present in population databases (gnomAD no frequency). This variant has not been reported in the literature in individuals affected with ITCH-related conditions. In summary, the available evidence is currently insufficient to determine the role of this variant in disease. Therefore, it has been classified as a Variant of Uncertain Significance. Algorithms developed to predict the effect of missense changes on protein structure and function are either unavailable or do not agree on the potential impact of this missense change (SIFT: "Not Available"; PolyPhen-2: "Probably Damaging"; Align-GVGD: "Not Available").

NM_031483.7(ITCH):c.1234A>G (p.Arg412Gly)

Gene: ITCH (itchy E3 ubiquitin protein ligase; plus strand). Cytogenetic location: 20q11.22.
Variant type: single nucleotide variant.
Coding change: c.1234A>G on transcript NM_031483.7 (MANE Select); coding-DNA position 1234, A replaced by G.
Protein change: p.Arg412Gly; replaces arginine 412 with glycine.
Molecular consequence: missense variant.
Genome position (GRCh38, 1-based): chr20:34,457,413, A>G. VCF-style: chr20-34457413-A-G. GRCh37 (hg19) VCF-style: chr20-33045218-A-G.
Other names: c.1357A>G, p.Arg453Gly (NM_001257137.3, NM_001324197.2); c.904A>G, p.Arg302Gly (NM_001257138.3); c.1234A>G, p.Arg412Gly (NM_001324198.2); short protein forms R412G, R453G, R302G.
Identifiers: ClinVar variation 2009369 (VCV002009369.4), dbSNP rs2515750714, ClinGen allele CA408665678.